The following is an entry in ClinVar:

ClinVar aggregate classification (germline): Uncertain significance. Review status: criteria provided, multiple submitters, no conflicts (2 of 4 stars). 2 submissions from 2 submitters: Uncertain significance (2). Last evaluated 2025-09-11.

Conditions:
Hermansky-Pudlak syndrome 2 (HPS2). Also called: Platelet defects and oculocutaneous albinism. Identifiers: Orphanet 183678, Orphanet 79430, MedGen C1842362, MONDO:0011997, OMIM 608233.

Allele frequency attached by ClinVar (database versions not stated): gnomAD exomes below 0.00001 and 0.00001; gnomAD 0.00001; TOPMed 0.00001.
gnomAD v4.1: 10 of 1,613,048 alleles (0.00062%); highest among the groups gnomAD compares: Non-Finnish European, 0.00076%; no homozygotes.

Submissions (2):

Mayo Clinic Laboratories, Mayo Clinic
Classification: Uncertain significance. Last evaluated: 2025-09-11. Review status: criteria provided, single submitter. Criteria: ACMG Guidelines, 2015. Collection method: clinical testing. Allele origin: germline. Observed: 1 variant allele.
Comment: BP4, PM2_supporting

Labcorp Genetics (formerly Invitae), Labcorp
Classification: Uncertain significance for Hermansky-Pudlak syndrome 2. Last evaluated: 2024-10-16. Review status: criteria provided, single submitter. Criteria: Invitae Variant Classification Sherloc (09022015). Collection method: clinical testing. Allele origin: germline.
Comment: This sequence change replaces glutamic acid, which is acidic and polar, with lysine, which is basic and polar, at codon 635 of the AP3B1 protein (p.Glu635Lys). This variant is present in population databases (no rsID available, gnomAD 0.0009%). This variant has not been reported in the literature in individuals affected with AP3B1-related conditions. ClinVar contains an entry for this variant (Variation ID: 978551). An algorithm developed to predict the effect of missense changes on protein structure and function (PolyPhen-2) suggests that this variant¬†is likely to be tolerated. In summary, the available evidence is currently insufficient to determine the role of this variant in disease. Therefore, it has been classified as a Variant of Uncertain Significance.

NM_003664.5(AP3B1):c.1903G>A (p.Glu635Lys)

Gene: AP3B1 (adaptor related protein complex 3 subunit beta 1; minus strand). Cytogenetic location: 5q14.1.
Variant type: single nucleotide variant.
Coding change: c.1903G>A on transcript NM_003664.5 (MANE Select); coding-DNA position 1903, G replaced by A.
Protein change: p.Glu635Lys; replaces glutamic acid 635 with lysine.
Molecular consequence: missense variant.
Genome position (GRCh38, 1-based): chr5:78,128,095, C>T on the plus strand (G>A on the coding strand, the complement: AP3B1 is on the minus strand). VCF-style: chr5-78128095-C-T. GRCh37 (hg19) VCF-style: chr5-77423919-C-T.
Other names: p.Glu635Lys; c.1756G>A, p.Glu586Lys (NM_001271769.2); short protein forms E586K, E635K.
Identifiers: ClinVar variation 978551 (VCV000978551.8), dbSNP rs1381722917, ClinGen allele CA360187092.